The following is an entry in ClinVar:

ClinVar aggregate classification (germline): Uncertain significance (1 of 4 stars; one submission).

gnomAD v4.1: 1 of 1,208,796 alleles (0.000083%); highest among the groups gnomAD compares: African/African-American, 0.0017%; no homozygotes.

Submission:

GeneDx
Classification: Uncertain significance. Last evaluated: 2023-11-25. Review status: criteria provided, single submitter. Criteria: GeneDx Variant Classification Process June 2021. Collection method: clinical testing. Allele origin: germline. Affected: yes.
Comment: Not observed at significant frequency in large population cohorts (gnomAD); In silico analysis supports that this missense variant does not alter protein structure/function; Has not been previously published as pathogenic or benign to our knowledge

NM_004606.5(TAF1):c.5468G>A (p.Gly1823Glu)

Gene: TAF1 (TATA-box binding protein associated factor 1; plus strand). Cytogenetic location: Xq13.1.
Variant type: single nucleotide variant.
Coding change: c.5468G>A on transcript NM_004606.5 (MANE Select); coding-DNA position 5468, G replaced by A.
Protein change: p.Gly1823Glu; replaces glycine 1823 with glutamic acid.
Molecular consequence: missense variant.
Genome position (GRCh38, 1-based): chrX:71,463,892, G>A. VCF-style: chrX-71463892-G-A. GRCh37 (hg19) VCF-style: chrX-70683742-G-A.
Other names: c.5474G>A, p.Gly1825Glu (NM_001286074.2); c.5405G>A, p.Gly1802Glu (NM_138923.4); short protein forms G1802E, G1823E, G1825E.
Identifiers: ClinVar variation 3364890 (VCV003364890.1).